The following is an entry in ClinVar:

NM_020759.3(STARD9):c.8294del (p.Pro2765fs)

Gene: STARD9 (StAR related lipid transfer domain containing 9; plus strand). Cytogenetic location: 15q15.2.
Variant type: Deletion.
Coding change: c.8294del on transcript NM_020759.3 (MANE Select); coding-DNA position 8294, one base deleted (C; older notation c.8294delC).
Protein change: p.Pro2765fs; shifts the reading frame from proline 2765.
Molecular consequence: frameshift variant.
Genome position (GRCh38, 1-based): chr15:42,689,872, C deleted; the last of 2 consecutive C bases (chr15:42,689,871-42,689,872); deleting either gives the same sequence. VCF-style (leftmost placement, unchanged base first): chr15-42689870-TC-T. GRCh37 (hg19) VCF-style: chr15-42982068-TC-T.
Other names: short protein forms P2765fs.
Identifiers: ClinVar variation 4072291 (VCV004072291.1).

ClinVar aggregate classification (germline): Uncertain significance (1 of 4 stars; one submission).

Conditions:
STARD9-related intellectual disabilities with blindness.

Submission:

3billion
Classification: Uncertain significance for STARD9-related intellectual disabilities with blindness. Last evaluated: 2024-07-09. Review status: criteria provided, single submitter. Criteria: ACMG Guidelines, 2015. Collection method: clinical testing. Allele origin: germline. Affected: yes.
Comment: The variant is not observed in the gnomAD v4.0.0 dataset. Predicted Consequence/Location: Frameshift: predicted to result in a loss or disruption of normal protein function through nonsense-mediated decay (NMD) or protein truncation. Multiple pathogenic variants are reported downstream of the variant. Therefore, this variant is classified as VUS according to the recommendation of ACMG/AMP guideline.